The following is an entry in ClinVar:

NM_015295.3(SMCHD1):c.4404G>A (p.Met1468Ile)

Gene: SMCHD1 (structural maintenance of chromosomes flexible hinge domain containing 1; plus strand). Cytogenetic location: 18p11.32.
Variant type: single nucleotide variant.
Coding change: c.4404G>A on transcript NM_015295.3 (MANE Select); coding-DNA position 4404, G replaced by A.
Protein change: p.Met1468Ile; replaces methionine 1468 with isoleucine.
Molecular consequence: missense variant.
Genome position (GRCh38, 1-based): chr18:2,760,709, G>A. VCF-style: chr18-2760709-G-A. GRCh37 (hg19) VCF-style: chr18-2760707-G-A.
Other names: short protein forms M1468I.
Identifiers: ClinVar variation 4539970 (VCV004539970.1).

ClinVar aggregate classification (germline): Uncertain significance (1 of 4 stars; one submission).

Submission:

GeneDx
Classification: Uncertain significance. Last evaluated: 2025-06-18. Review status: criteria provided, single submitter. Criteria: GeneDx Variant Classification Process June 2021. Collection method: clinical testing. Allele origin: germline. Affected: yes.
Comment: Not observed at significant frequency in large population cohorts (gnomAD); In silico analysis supports a deleterious effect on splicing; In silico analysis suggests that this missense variant does not alter protein structure/function; This variant is associated with the following publications: (PMID: 31243061, 25256356)